The following is an entry in ClinVar:

ClinVar aggregate classification (germline): Likely benign (1 of 4 stars; one submission).

Allele frequency attached by ClinVar (database versions not stated): TOPMed 0.00015; gnomAD 0.00022; ExAC 0.00068; gnomAD exomes 0.00073; 1000 Genomes Project 30x 0.00146; 1000 Genomes Project 0.00159.

Submission:

CeGaT Center for Human Genetics Tuebingen
Classification: Likely benign. Last evaluated: 2023-02-01. Review status: criteria provided, single submitter. Criteria: CeGaT Center For Human Genetics Tuebingen Variant Classification Criteria Version 2. Collection method: clinical testing. Allele origin: germline. Affected: yes. Observed: 1 variant allele.
Comment: WWC3: BP4, BS2

NM_015691.5(WWC3):c.2905C>G (p.Leu969Val)

Gene: WWC3 (WWC family member 3; plus strand). Cytogenetic location: Xp22.2.
Variant type: single nucleotide variant.
Coding change: c.2905C>G on transcript NM_015691.5; coding-DNA position 2905, C replaced by G.
Protein change: p.Leu969Val; replaces leucine 969 with valine.
Molecular consequence: missense variant.
Genome position (GRCh38, 1-based): chrX:10,130,053, C>G. VCF-style: chrX-10130053-C-G. GRCh37 (hg19) VCF-style: chrX-10098093-C-G.
Other names: short protein forms L844V, L969V.
Identifiers: ClinVar variation 2659968 (VCV002659968.24), dbSNP rs57343561, ClinGen allele CA10346760.